The following is an entry in ClinVar:

ClinVar aggregate classification (germline): Uncertain significance (1 of 4 stars; one submission).

Conditions:
Tietz syndrome (TADS). Also called: HYPOPIGMENTATION/DEAFNESS OF TIETZ; TIETZ ALBINISM-DEAFNESS SYNDROME; ALBINISM-DEAFNESS OF TIETZ. Identifiers: Orphanet 42665, MedGen C0391816, MONDO:0007077, OMIM 103500.
Waardenburg syndrome type 2A (WS2A). Also called: WAARDENBURG SYNDROME WITHOUT DYSTOPIA CANTHORUM. Identifiers: Orphanet 3440, MedGen C1860339, MONDO:0008671, OMIM 193510.
Melanoma, cutaneous malignant, susceptibility to, 8. Also called: MELANOMA AND RENAL CELL CARCINOMA, SUSCEPTIBILITY TO; Cutaneous malignant melanoma 8. Identifiers: Orphanet 293822, MedGen C3152204, MONDO:0013759, OMIM 614456.

gnomAD v4.1: 2 of 1,613,918 alleles (0.00012%); highest among the groups gnomAD compares: Admixed American, 0.0033%; no homozygotes.

Submission:

Labcorp Genetics (formerly Invitae), Labcorp
Classification: Uncertain significance for Melanoma, cutaneous malignant, susceptibility to, 8; Waardenburg syndrome type 2A; Tietz syndrome. Last evaluated: 2025-06-16. Review status: criteria provided, single submitter. Criteria: Invitae Variant Classification Sherloc (09022015). Collection method: clinical testing. Allele origin: germline.
Comment: This sequence change replaces isoleucine, which is neutral and non-polar, with arginine, which is basic and polar, at codon 285 of the MITF protein (p.Ile285Arg). This variant is present in population databases (rs767012978, gnomAD 0.006%). This variant has not been reported in the literature in individuals affected with MITF-related conditions. ClinVar contains an entry for this variant (Variation ID: 3752242). Invitae Evidence Modeling of protein sequence and biophysical properties (such as structural, functional, and spatial information, amino acid conservation, physicochemical variation, residue mobility, and thermodynamic stability) indicates that this missense variant is expected to disrupt MITF protein function with a positive predictive value of 80%. In summary, the available evidence is currently insufficient to determine the role of this variant in disease. Therefore, it has been classified as a Variant of Uncertain Significance.

NM_001354604.2(MITF):c.1175T>G (p.Ile392Arg)

Gene: MITF (melanocyte inducing transcription factor; plus strand). Cytogenetic location: 3p13.
Variant type: single nucleotide variant.
Coding change: c.1175T>G on transcript NM_001354604.2 (MANE Select); coding-DNA position 1175, T replaced by G.
Protein change: p.Ile392Arg; replaces isoleucine 392 with arginine.
Molecular consequence: missense variant.
Genome position (GRCh38, 1-based): chr3:69,959,416, T>G. VCF-style: chr3-69959416-T-G. GRCh37 (hg19) VCF-style: chr3-70008567-T-G.
Other names: c.854T>G, p.Ile285Arg (NM_000248.4); c.1001T>G, p.Ile334Arg (NM_001184967.2, NM_001354608.2); c.1172T>G, p.Ile391Arg (NM_001354605.2); c.1154T>G, p.Ile385Arg (NM_001354606.2, NM_006722.3); c.1106T>G, p.Ile369Arg (NM_001354607.2); c.836T>G, p.Ile279Arg (NM_198158.3); c.1157T>G, p.Ile386Arg (NM_198159.3); c.1109T>G, p.Ile370Arg (NM_198177.3); and 1 more; short protein forms I223R, I279R, I285R, I334R, I369R, I370R, I385R, I386R.
Identifiers: ClinVar variation 3752242 (VCV003752242.2).